The following is an entry in ClinVar:

NM_004415.4(DSP):c.5701A>G (p.Arg1901Gly)

Gene: DSP (desmoplakin; plus strand). Cytogenetic location: 6p24.3.
Variant type: single nucleotide variant.
Coding change: c.5701A>G on transcript NM_004415.4 (MANE Select); coding-DNA position 5701, A replaced by G.
Protein change: p.Arg1901Gly; replaces arginine 1901 with glycine.
Molecular consequence: missense variant.
Genome position (GRCh38, 1-based): chr6:7,582,963, A>G. VCF-style: chr6-7582963-A-G. GRCh37 (hg19) VCF-style: chr6-7583196-A-G.
Other names: c.3904A>G, p.Arg1302Gly (NM_001008844.3); c.4372A>G, p.Arg1458Gly (NM_001319034.2); short protein forms R1302G, R1458G, R1901G.
Identifiers: ClinVar variation 3224240 (VCV003224240.1), dbSNP rs2533937185, ClinGen allele CA362689222.

ClinVar aggregate classification (germline): Uncertain significance (1 of 4 stars; one submission).

Conditions:
Cardiovascular phenotype. Identifiers: MedGen CN230736.

Allele frequency attached by ClinVar (database versions not stated): gnomAD exomes below 0.00001.
gnomAD v4.1: 1 of 1,614,112 alleles (0.000062%); highest among the groups gnomAD compares: Non-Finnish European, 0.000085%; no homozygotes.

Submission:

Ambry Genetics
Classification: Uncertain significance for Cardiovascular phenotype. Last evaluated: 2024-02-24. Review status: criteria provided, single submitter. Criteria: Ambry Variant Classification Scheme 2023. Collection method: clinical testing. Allele origin: germline.
Comment: The p.R1901G variant (also known as c.5701A>G), located in coding exon 24 of the DSP gene, results from an A to G substitution at nucleotide position 5701. The arginine at codon 1901 is replaced by glycine, an amino acid with dissimilar properties. This amino acid position is conserved. In addition, the in silico prediction for this alteration is inconclusive. Based on the available evidence, the clinical significance of this alteration remains unclear.